The following is an entry in ClinVar:

ClinVar aggregate classification (germline): Likely benign (1 of 4 stars; one submission).

Allele frequency attached by ClinVar (database versions not stated): ExAC 0.00002; TOPMed 0.00006; ESP Exome Variant Server 0.00008; gnomAD 0.00009; gnomAD exomes 0.00012.
gnomAD v4.1: 189 of 1,613,904 alleles (0.012%); highest among the groups gnomAD compares: African/African-American, 0.023%; no homozygotes.

Submission:

CeGaT Center for Human Genetics Tuebingen
Classification: Likely benign. Last evaluated: 2022-07-01. Review status: criteria provided, single submitter. Criteria: CeGaT Center For Human Genetics Tuebingen Variant Classification Criteria Version 2. Collection method: clinical testing. Allele origin: germline. Affected: yes. Observed: 1 variant allele.
Comment: TMEM131: BP4, BP7

NM_015348.2(TMEM131):c.5223C>T (p.Leu1741=)

Gene: TMEM131 (transmembrane protein 131; minus strand). Cytogenetic location: 2q11.2.
Variant type: single nucleotide variant.
Coding change: c.5223C>T on transcript NM_015348.2 (MANE Select); coding-DNA position 5223, C replaced by T.
Protein change: p.Leu1741=; no amino-acid change (leucine 1741 retained).
Molecular consequence: synonymous variant.
Genome position (GRCh38, 1-based): chr2:97,759,037, G>A on the plus strand (C>T on the coding strand, the complement: TMEM131 is on the minus strand). VCF-style: chr2-97759037-G-A. GRCh37 (hg19) VCF-style: chr2-98375500-G-A.
Identifiers: ClinVar variation 2651173 (VCV002651173.24), dbSNP rs370135727, ClinGen allele CA1790727.
Genomic context (GRCh38, chr2:97,759,037, plus strand): 5'-GCCACTATTAAACTCGTTCCAGCTCCTCTGTGAGGCCTGATTGCACGATCGAGATAATCC[G>A]AGTTTGCTGAAAACTTCTGGAAATAAAGCAACAGTCATCAAGTCCATATTTGGTTTTGCC-3'
Protein context (NP_056163.1, residues 1731-1751): FNLTGEVFSK[Leu1741=]GLSRSCNQAS